The following is an entry in ClinVar:

NM_001365536.1(SCN9A):c.4933T>C (p.Phe1645Leu)

Genes: SCN9A (sodium voltage-gated channel alpha subunit 9; minus strand), SCN1A-AS1 (SCN1A and SCN9A antisense RNA 1; plus strand). Cytogenetic location: 2q24.3.
Variant type: single nucleotide variant.
Coding change: c.4933T>C on transcript NM_001365536.1 (MANE Select); coding-DNA position 4933, T replaced by C.
Protein change: p.Phe1645Leu; replaces phenylalanine 1645 with leucine.
Molecular consequence: missense variant. On other transcripts: non-coding transcript variant (1).
Genome position (GRCh38, 1-based): chr2:166,199,706, A>G on the plus strand (T>C on the coding strand, the complement: SCN9A is on the minus strand). VCF-style: chr2-166199706-A-G. GRCh37 (hg19) VCF-style: chr2-167056216-A-G.
Other names: c.4900T>C, p.Phe1634Leu (NM_002977.4); short protein forms F1634L, F1645L.
Identifiers: ClinVar variation 3751070 (VCV003751070.2).

ClinVar aggregate classification (germline): Uncertain significance (1 of 4 stars; one submission).

Conditions:
Neuropathy, hereditary sensory and autonomic, type 2A (HSAN2A). Also called: MORVAN DISEASE; NEUROPATHY, CONGENITAL SENSORY; NEUROPATHY, HEREDITARY SENSORY RADICULAR, AUTOSOMAL RECESSIVE; NEUROPATHY, HEREDITARY SENSORY, TYPE IIA; NEUROPATHY, PROGRESSIVE SENSORY, OF CHILDREN; ACROOSTEOLYSIS, GIACCAI TYPE. Identifiers: Orphanet 970, MedGen C2752089, MONDO:0024309, OMIM 201300.
Generalized epilepsy with febrile seizures plus, type 7 (GEFSP7). Also called: GEFS+, TYPE 7. Identifiers: Orphanet 36387, MedGen C2751778, MONDO:0013470, OMIM 613863.

Submission:

Labcorp Genetics (formerly Invitae), Labcorp
Classification: Uncertain significance for Neuropathy, hereditary sensory and autonomic, type 2A; Generalized epilepsy with febrile seizures plus, type 7. Last evaluated: 2024-11-24. Review status: criteria provided, single submitter. Criteria: Invitae Variant Classification Sherloc (09022015). Collection method: clinical testing. Allele origin: germline.
Comment: This sequence change replaces phenylalanine, which is neutral and non-polar, with leucine, which is neutral and non-polar, at codon 1634 of the SCN9A protein (p.Phe1634Leu). This variant is not present in population databases (gnomAD no frequency). This variant has not been reported in the literature in individuals affected with SCN9A-related conditions. Invitae Evidence Modeling of protein sequence and biophysical properties (such as structural, functional, and spatial information, amino acid conservation, physicochemical variation, residue mobility, and thermodynamic stability) indicates that this missense variant is not expected to disrupt SCN9A protein function with a negative predictive value of 95%. In summary, the available evidence is currently insufficient to determine the role of this variant in disease. Therefore, it has been classified as a Variant of Uncertain Significance.